The following is an entry in ClinVar:

NM_007194.4(CHEK2):c.1430C>G (p.Thr477Arg)

Gene: CHEK2 (checkpoint kinase 2; minus strand). Cytogenetic location: 22q12.1.
Variant type: single nucleotide variant.
Coding change: c.1430C>G on transcript NM_007194.4 (MANE Select); coding-DNA position 1430, C replaced by G.
Protein change: p.Thr477Arg; replaces threonine 477 with arginine.
Molecular consequence: missense variant.
Genome position (GRCh38, 1-based): chr22:28,694,063, G>C on the plus strand (C>G on the coding strand, the complement: CHEK2 is on the minus strand). VCF-style: chr22-28694063-G-C. GRCh37 (hg19) VCF-style: chr22-29090051-G-C.
Other names: c.1559C>G, p.Thr520Arg (NM_001005735.3); c.767C>G, p.Thr256Arg (NM_001257387.3); c.1229C>G, p.Thr410Arg (NM_001349956.3); c.1343C>G, p.Thr448Arg (NM_145862.3); short protein forms T256R, T410R, T448R, T477R, T520R.
Identifiers: ClinVar variation 971579 (VCV000971579.10), dbSNP rs762488591, ClinGen allele CA411094211.
Genomic context (GRCh38, chr22:28,694,063, plus strand): 5'-TATGCTAGCAGGCACTGTCCCACACCCACCTGAAGCCACGGGTGTCTTAAGGCTTCTTCT[G>C]TCGTAAAACGTGCCTTTGGATCCACTACCAACAACTTCTTGACAAGGTCCAGAGCTAAAG-3'
Protein context (NP_009125.1, residues 467-487): LVVDPKARFT[Thr477Arg]EEALRHPWLQ

ClinVar aggregate classification (germline): Uncertain significance (1 of 4 stars; one submission).

Conditions:
Familial cancer of breast. Also called: hereditary breast carcinoma; Hereditary breast cancer; BREAST CANCER, FAMILIAL. Identifiers: Orphanet 227535, MedGen C0346153, MONDO:0016419, OMIM 114480. Disease mechanism: loss of function.

Submission:

Labcorp Genetics (formerly Invitae), Labcorp
Classification: Uncertain significance for Familial cancer of breast. Last evaluated: 2025-03-18. Review status: criteria provided, single submitter. Criteria: Invitae Variant Classification Sherloc (09022015). Collection method: clinical testing. Allele origin: germline.
Comment: This sequence change replaces threonine, which is neutral and polar, with arginine, which is basic and polar, at codon 477 of the CHEK2 protein (p.Thr477Arg). This variant is not present in population databases (gnomAD no frequency). This variant has not been reported in the literature in individuals affected with CHEK2-related conditions. ClinVar contains an entry for this variant (Variation ID: 971579). An algorithm developed to predict the effect of missense changes on protein structure and function (PolyPhen-2) suggests that this variant is likely to be disruptive. In summary, the available evidence is currently insufficient to determine the role of this variant in disease. Therefore, it has been classified as a Variant of Uncertain Significance.